The following is an entry in ClinVar:

ClinVar aggregate classification (germline): Uncertain significance (1 of 4 stars; one submission).

Allele frequency attached by ClinVar (database versions not stated): TOPMed below 0.00001; gnomAD exomes 0.00003.

Submission:

Labcorp Genetics (formerly Invitae), Labcorp
Classification: Uncertain significance. Last evaluated: 2023-03-26. Review status: criteria provided, single submitter. Criteria: Invitae Variant Classification Sherloc (09022015). Collection method: clinical testing. Allele origin: germline.
Comment: In summary, the available evidence is currently insufficient to determine the role of this variant in disease. Therefore, it has been classified as a Variant of Uncertain Significance. This variant has not been reported in the literature in individuals affected with RPS6KC1-related conditions. This variant is present in population databases (rs758935755, gnomAD 0.0009%). This sequence change creates a premature translational stop signal (p.Ala114Leufs*16) in the RPS6KC1 gene. It is expected to result in an absent or disrupted protein product. However, the current clinical and genetic evidence is not sufficient to establish whether loss-of-function variants in RPS6KC1 cause disease.

NM_012424.6(RPS6KC1):c.339del (p.Ala114fs)

Gene: RPS6KC1 (ribosomal protein S6 kinase C1; plus strand). Cytogenetic location: 1q32.3.
Variant type: Deletion.
Coding change: c.339del on transcript NM_012424.6 (MANE Select); coding-DNA position 339, one base deleted (T; older notation c.339delT).
Protein change: p.Ala114fs; shifts the reading frame from alanine 114.
Molecular consequence: frameshift variant. On other transcripts: 5 prime UTR variant (27), non-coding transcript variant (4).
Genome position (GRCh38, 1-based): chr1:213,104,530, T deleted. VCF-style (leftmost placement, unchanged base first): chr1-213104529-CT-C. GRCh37 (hg19) VCF-style: chr1-213277871-CT-C.
Other names: c.303del, p.Ala102fs (NM_001136138.4); c.-283del (NM_001287218.3, NM_001349650.2, NM_001349653.2 and 1 more transcripts); c.-205del (NM_001287219.3, NM_001287221.3, NM_001349648.2 and 1 more transcripts); c.-876del (NM_001287220.3, NM_001349666.2, NM_001349667.2 and 1 more transcripts); c.339del, p.Ala114fs (NM_001349646.2, NM_001349647.2); c.-404del (NM_001349651.2); c.-354del (NM_001349652.2); c.-96del (NM_001349657.2); and 9 more; short protein forms A102fs, A114fs.
Identifiers: ClinVar variation 2979105 (VCV002979105.3), dbSNP rs758935755, ClinGen allele CA36916057.